The following is an entry in ClinVar:

NM_001164508.2(NEB):c.10058A>G (p.Tyr3353Cys)

Gene: NEB (nebulin; minus strand). Cytogenetic location: 2q23.3.
Variant type: single nucleotide variant.
Coding change: c.10058A>G on transcript NM_001164508.2 (MANE Select); coding-DNA position 10058, A replaced by G.
Protein change: p.Tyr3353Cys; replaces tyrosine 3353 with cysteine.
Molecular consequence: missense variant.
Genome position (GRCh38, 1-based): chr2:151,627,608, T>C on the plus strand (A>G on the coding strand, the complement: NEB is on the minus strand). VCF-style: chr2-151627608-T-C. GRCh37 (hg19) VCF-style: chr2-152484122-T-C.
Other names: c.10058A>G, p.Tyr3353Cys (NM_001164507.2, NM_001271208.2); c.9329A>G (NM_004543.4); c.9329A>G, p.Tyr3110Cys (NM_004543.5); short protein forms Y3110C, Y3353C.
Identifiers: ClinVar variation 2162335 (VCV002162335.2), dbSNP rs368224713, ClinGen allele CA1909133.

ClinVar aggregate classification (germline): Uncertain significance. Review status: criteria provided, multiple submitters, no conflicts (2 of 4 stars). 2 submissions from 2 submitters: Uncertain significance (2). Last evaluated 2025-11-26.

Conditions:
Inborn genetic diseases. Identifiers: MedGen C0950123, MeSH D030342.
Nemaline myopathy 2 (NEM2). Also called: Nemaline myopathy 2, autosomal recessive. Identifiers: MedGen C1850569, MONDO:0009725, OMIM 256030.

Allele frequency attached by ClinVar (database versions not stated): gnomAD exomes 0.00001; gnomAD 0.00001; TOPMed 0.00001; ExAC 0.00004; ESP Exome Variant Server 0.00008.
gnomAD v4.1: 10 of 1,613,928 alleles (0.00062%); highest among the groups gnomAD compares: East Asian, 0.0045%; no homozygotes.

Submissions (2):

Ambry Genetics
Classification: Uncertain significance for Inborn genetic diseases. Last evaluated: 2025-11-26. Review status: criteria provided, single submitter. Criteria: Ambry Variant Classification Scheme 2023. Collection method: clinical testing. Allele origin: germline.

Labcorp Genetics (formerly Invitae), Labcorp
Classification: Uncertain significance for Nemaline myopathy 2. Last evaluated: 2022-06-14. Review status: criteria provided, single submitter. Criteria: Invitae Variant Classification Sherloc (09022015). Collection method: clinical testing. Allele origin: germline.
Comment: This sequence change replaces tyrosine, which is neutral and polar, with cysteine, which is neutral and slightly polar, at codon 3353 of the NEB protein (p.Tyr3353Cys). This variant is present in population databases (rs368224713, gnomAD 0.006%). This variant has not been reported in the literature in individuals affected with NEB-related conditions. Algorithms developed to predict the effect of missense changes on protein structure and function are either unavailable or do not agree on the potential impact of this missense change (SIFT: "Deleterious"; PolyPhen-2: "Not Available"; Align-GVGD: "Class C0"). In summary, the available evidence is currently insufficient to determine the role of this variant in disease. Therefore, it has been classified as a Variant of Uncertain Significance.